The following is an entry in ClinVar:

NM_001349253.2(SCN11A):c.1309G>C (p.Ala437Pro)

Gene: SCN11A (sodium voltage-gated channel alpha subunit 11; minus strand). Cytogenetic location: 3p22.2.
Variant type: single nucleotide variant.
Coding change: c.1309G>C on transcript NM_001349253.2 (MANE Select); coding-DNA position 1309, G replaced by C.
Protein change: p.Ala437Pro; replaces alanine 437 with proline.
Molecular consequence: missense variant.
Genome position (GRCh38, 1-based): chr3:38,908,113, C>G on the plus strand (G>C on the coding strand, the complement: SCN11A is on the minus strand). VCF-style: chr3-38908113-C-G. GRCh37 (hg19) VCF-style: chr3-38949604-C-G.
Other names: c.1309G>C, p.Ala437Pro (NM_014139.3); short protein forms A437P.
Identifiers: ClinVar variation 1430760 (VCV001430760.6), dbSNP rs1355911586, ClinGen allele CA352167037.
Genomic context (GRCh38, chr3:38,908,113, plus strand): 5'-TTTTTGGGGTAAAATATGATGTTTCAAGGGAAGTAAGTGAACTTCTGTCAATTCCCATGG[C>G]AACCAGAGCCTTCAAATTGAACAAAAGCAATTAAAGAACAGATTACACCTCCTCATGAAA-3'
Protein context (NP_001336182.1, residues 427-447): LLKEEKEALV[Ala437Pro]MGIDRSSLTS

ClinVar aggregate classification (germline): Uncertain significance (1 of 4 stars; one submission).

Conditions:
Familial episodic pain syndrome with predominantly lower limb involvement. Also called: Episodic pain syndrome, familial, 3. Identifiers: Orphanet 391384, Orphanet 391392, MedGen C3809899, MONDO:0014247, OMIM 615552.
Hereditary sensory and autonomic neuropathy type 7. Also called: Neuropathy, hereditary sensory and autonomic, type VII; HSAN VII. Identifiers: Orphanet 391397, MedGen C3809882, MONDO:0014244, OMIM 615548.

Submission:

Labcorp Genetics (formerly Invitae), Labcorp
Classification: Uncertain significance for Familial episodic pain syndrome with predominantly lower limb involvement; Hereditary sensory and autonomic neuropathy type 7. Last evaluated: 2021-08-03. Review status: criteria provided, single submitter. Criteria: Invitae Variant Classification Sherloc (09022015). Collection method: clinical testing. Allele origin: germline.
Comment: This variant has not been reported in the literature in individuals affected with SCN11A-related conditions. Algorithms developed to predict the effect of missense changes on protein structure and function (SIFT, PolyPhen-2, Align-GVGD) all suggest that this variant is likely to be disruptive. In summary, the available evidence is currently insufficient to determine the role of this variant in disease. Therefore, it has been classified as a Variant of Uncertain Significance. This variant is not present in population databases (ExAC no frequency). This sequence change replaces alanine with proline at codon 437 of the SCN11A protein (p.Ala437Pro). The alanine residue is highly conserved and there is a small physicochemical difference between alanine and proline.